The following is an entry in ClinVar:

ClinVar aggregate classification (germline): Uncertain significance (1 of 4 stars; one submission).

Conditions:
CACNA1A-related disorder. Also called: CACNA1A-related condition.

Submission:

PreventionGenetics, part of Exact Sciences
Classification: Uncertain significance for CACNA1A-related condition. Last evaluated: 2023-01-24. Review status: criteria provided, single submitter. Criteria: ACMG Guidelines, 2015. Collection method: clinical testing. Allele origin: germline.
Comment: The CACNA1A c.271G>C variant is predicted to result in the amino acid substitution p.Ala91Pro. To our knowledge, this variant has not been reported in the literature or in a large population database, indicating this variant is rare. At this time, the clinical significance of this variant is uncertain due to the absence of conclusive functional and genetic evidence.

NM_001127222.2(CACNA1A):c.271G>C (p.Ala91Pro)

Gene: CACNA1A (calcium voltage-gated channel subunit alpha1 A; minus strand). Cytogenetic location: 19p13.13.
Variant type: single nucleotide variant.
Coding change: c.271G>C on transcript NM_001127222.2 (MANE Select); coding-DNA position 271, G replaced by C.
Protein change: p.Ala91Pro; replaces alanine 91 with proline.
Molecular consequence: missense variant.
Genome position (GRCh38, 1-based): chr19:13,505,954, C>G on the plus strand (G>C on the coding strand, the complement: CACNA1A is on the minus strand). VCF-style: chr19-13505954-C-G. GRCh37 (hg19) VCF-style: chr19-13616768-C-G.
Other names: c.271G>C, p.Ala91Pro (NM_000068.4, NM_001127221.2, NM_001174080.2 and 1 more transcripts); short protein forms A91P.
Identifiers: ClinVar variation 2630434 (VCV002630434.1), dbSNP rs2513708571, ClinGen allele CA404970827.
Genomic context (GRCh38, chr19:13,505,954, plus strand): 5'-GAGGCGCAGCTGCTGCTGGGGTTCGGGCAAAAGGATATGGCCATTCGGTGATCTTTTTGG[C>G]GTATTTTCTCACCACGTTGTCTTCGCTGAAGAGGAAGAGAGACCGGTTAACCGTGAGGCA-3'
Protein context (NP_001120694.1, residues 81-101): FSEDNVVRKY[Ala91Pro]KKITEWPPFE